The following is an entry in ClinVar:

ClinVar aggregate classification (germline): Uncertain significance. Review status: criteria provided, multiple submitters, no conflicts (2 of 4 stars). 4 submissions from 4 submitters: Uncertain significance (4). Last evaluated 2024-09-12.

Conditions:
Catecholaminergic polymorphic ventricular tachycardia (CVPT). Also called: Catecholamine-induced polymorphic ventricular tachycardia. Identifiers: Orphanet 3286, MedGen C5574922, MONDO:0017990.
Cardiomyopathy (CMYO). Also called: Cardiomyopathies. Identifiers: Orphanet 167848, MedGen C0878544, MONDO:0004994, HP:0001638. Inheritance: Various modes of inheritance.
Catecholaminergic polymorphic ventricular tachycardia 1. Also called: VENTRICULAR TACHYCARDIA, CATECHOLAMINERGIC POLYMORPHIC, 1, WITH OR WITHOUT ATRIAL DYSFUNCTION AND/OR DILATED CARDIOMYOPATHY; RYR2-Related Catecholaminergic Polymorphic Ventricular Tachycardia; VENTRICULAR TACHYCARDIA, STRESS-INDUCED POLYMORPHIC 1. Identifiers: Orphanet 3286, MedGen C1631597, MONDO:0011484, OMIM 604772.

Submissions (4):

Labcorp Genetics (formerly Invitae), Labcorp
Classification: Uncertain significance for Catecholaminergic polymorphic ventricular tachycardia 1. Last evaluated: 2024-09-12. Review status: criteria provided, single submitter. Criteria: Invitae Variant Classification Sherloc (09022015). Collection method: clinical testing. Allele origin: germline.
Comment: This variant, c.10897_10899del, results in the deletion of 1 amino acid(s) of the RYR2 protein (p.Glu3633del), but otherwise preserves the integrity of the reading frame. This variant is not present in population databases (gnomAD no frequency). This variant has not been reported in the literature in individuals affected with RYR2-related conditions. ClinVar contains an entry for this variant (Variation ID: 920981). Experimental studies and prediction algorithms are not available or were not evaluated, and the functional significance of this variant is currently unknown. Algorithms developed to predict the effect of sequence changes on RNA splicing suggest that this variant may disrupt the consensus splice site. In summary, the available evidence is currently insufficient to determine the role of this variant in disease. Therefore, it has been classified as a Variant of Uncertain Significance.

All of Us Research Program, National Institutes of Health
Classification: Uncertain significance for Catecholaminergic polymorphic ventricular tachycardia. Last evaluated: 2023-11-30. Review status: criteria provided, single submitter. Criteria: ACMG Guidelines, 2015. Collection method: clinical testing. Allele origin: germline. Inheritance: Autosomal dominant inheritance. Observed: 1 variant allele, 1 heterozygote.
Comment: This variant causes a deletion of 1 amino acid in the RYR2 protein. To our knowledge, functional studies have not been performed for this variant. This variant has not been reported in individuals affected with cardiovascular disorders in the literature. This variant has not been identified in the general population by the Genome Aggregation Database (gnomAD). The available evidence is insufficient to determine the role of this variant in disease conclusively. Therefore, this variant is classified as a Variant of Uncertain Significance.

This study involves interpretation of variants in research participants for the purpose of population health screening. Participant phenotype was not available at the time of variant classification. Additional details can be found in publication PMID: 35346344, PMCID: PMC8962531

Color Diagnostics, LLC DBA Color Health
Classification: Uncertain significance for Cardiomyopathy. Last evaluated: 2019-12-04. Review status: criteria provided, single submitter. Criteria: ACMG Guidelines, 2015. Collection method: clinical testing. Allele origin: germline.
Comment: This variant causes a deletion of 1 amino acid in the RYR2 protein. To our knowledge, functional studies have not been performed for this variant. This variant has not been reported in individuals affected with cardiovascular disorders in the literature. This variant has not been identified in the general population by the Genome Aggregation Database (gnomAD). The available evidence is insufficient to determine the role of this variant in disease conclusively. Therefore, this variant is classified as a Variant of Uncertain Significance.

GeneDx
Classification: Uncertain significance. Last evaluated: 2019-01-31. Review status: criteria provided, single submitter. Criteria: GeneDx Variant Classification Process June 2021. Collection method: clinical testing. Allele origin: germline. Affected: yes.
Comment: Has not been previously published as pathogenic or benign to our knowledge; Variant results in an in-frame deletion of a single glutamic acid residue at position 3633 of the RYR2 gene, denoted p.Glu3633del; Not observed in large population cohorts (Lek et al., 2016); In silico analysis, which includes protein predictors and evolutionary conservation, supports a deleterious effect

NM_001035.3(RYR2):c.10894GAA[1] (p.Glu3633del)

Gene: RYR2 (ryanodine receptor 2; plus strand). Cytogenetic location: 1q43.
Variant type: Microsatellite.
Coding change: c.10894GAA[1] on transcript NM_001035.3 (MANE Select); one copy of the 3-base unit GAA starting at c.10894; the reference has two copies in a row; one copy, 3 bases deleted; also written c.10897_10899del.
Protein change: p.Glu3633del; deletes glutamic acid 3633.
Molecular consequence: inframe deletion.
Genome position (GRCh38, 1-based): chr1:237,730,318-237,730,320, GAA deleted; deleting any 3 consecutive bases within chr1:237,730,314-237,730,320 gives the same sequence; the position shown is the placement nearest the transcript's 3' end. VCF-style (leftmost placement, unchanged base first): chr1-237730313-CAGA-C. GRCh37 (hg19) VCF-style: chr1-237893613-CAGA-C.
Other names: c.10897_10899del (NM_001035.3); short protein forms E3633del.
Identifiers: ClinVar variation 920981 (VCV000920981.14), dbSNP rs1690562656, ClinGen allele CA1139656688.